The following is an entry in ClinVar:

NM_001018005.2(TPM1):c.681_682delinsAG (p.Leu228Val)

Gene: TPM1 (tropomyosin 1; plus strand). Cytogenetic location: 15q22.2.
Variant type: Indel.
Coding change: c.681_682delinsAG on transcript NM_001018005.2 (MANE Select); coding-DNA positions 681 to 682, CC replaced by AG.
Protein change: p.Leu228Val; replaces leucine 228 with valine.
Molecular consequence: missense variant.
Genome position (GRCh38, 1-based): chr15:63,062,256-63,062,257, CC replaced by AG. VCF-style: chr15-63062256-CC-AG. GRCh37 (hg19) VCF-style: chr15-63354455-CC-AG.
Other names: c.681_682delinsAG, p.Leu228Val (NM_000366.6, NM_001018004.2, NM_001018006.2 and 6 more transcripts); c.573_574delinsAG, p.Leu192Val (NM_001018008.2, NM_001301289.2, NM_001330344.2 and 5 more transcripts); c.807_808delinsAG, p.Leu270Val (NM_001365778.1); short protein forms L192V, L228V, L270V.
Identifiers: ClinVar variation 1332291 (VCV001332291.3), dbSNP rs2140969876, ClinGen allele CA2573054058.
Genomic context (GRCh38, chr15:63,062,256, plus strand): 5'-ATGCTCTTTCTAATTACAGTACTCGCAGAAGGAAGACAGATATGAGGAAGAGATCAAGGT[CC>AG]TTTCCGACAAGCTGAAGGAGGTAATATGAGAGTTGTGGATGAAGCCAACTGGATTTTAAA-3'
Protein context (NP_001018005.1, residues 218-238): EDRYEEEIKV[Leu228Val]SDKLKEAETR

ClinVar aggregate classification (germline): Uncertain significance (1 of 4 stars; one submission).

Conditions:
Cardiomyopathy (CMYO). Also called: Cardiomyopathies. Identifiers: Orphanet 167848, MedGen C0878544, MONDO:0004994, HP:0001638. Inheritance: Various modes of inheritance.

Submission:

Color Diagnostics, LLC DBA Color Health
Classification: Uncertain significance for Cardiomyopathy. Last evaluated: 2024-03-06. Review status: criteria provided, single submitter. Criteria: ACMG Guidelines, 2015. Collection method: clinical testing. Allele origin: germline.
Comment: This missense variant replaces leucine with valine at codon 228 of the TPM1 protein. Computational prediction suggests that this variant may have deleterious impact on protein structure and function (internally defined REVEL score threshold >= 0.7, PMID: 27666373). Splice site prediction tools suggest that this variant may impact RNA splicing. To our knowledge, functional studies have not been reported for this variant. This variant has not been reported in individuals affected with cardiovascular disorders in the literature. This variant has not been identified in the general population by the Genome Aggregation Database (gnomAD). The available evidence is insufficient to determine the role of this variant in disease conclusively. Therefore, this variant is classified as a Variant of Uncertain Significance.